The following is an entry in ClinVar:

NM_001029896.2(WDR45):c.332G>A (p.Arg111His)

Gene: WDR45 (WD repeat domain 45; minus strand). Cytogenetic location: Xp11.23.
Variant type: single nucleotide variant.
Coding change: c.332G>A on transcript NM_001029896.2 (MANE Select); coding-DNA position 332, G replaced by A.
Protein change: p.Arg111His; replaces arginine 111 with histidine.
Molecular consequence: missense variant.
Genome position (GRCh38, 1-based): chrX:49,076,654, C>T on the plus strand (G>A on the coding strand, the complement: WDR45 is on the minus strand). VCF-style: chrX-49076654-C-T. GRCh37 (hg19) VCF-style: chrX-48934313-C-T.
Other names: c.335G>A, p.Arg112His (NM_007075.4); short protein forms R112H, R111H.
Identifiers: ClinVar variation 426282 (VCV000426282.10), dbSNP rs782395953, ClinGen allele CA10408566.
Genomic context (GRCh38, chrX:49,076,654, plus strand): 5'-CACTTACTGTGGGGACCTCCTACCTCCCACCCCGGTCCTCCTCAGGCTCACTTGTCATGG[C>T]GCATGCGCACAGAAAGCACTGGCTTGGTGAAGGTGAACTCCAGCACCAGCTTCTCCTTGG-3'
Protein context (NP_001025067.1, residues 101-121): FTKPVLSVRM[Arg111His]HDKIVIVLKN

ClinVar aggregate classification (germline): Uncertain significance. Review status: criteria provided, multiple submitters, no conflicts (2 of 4 stars). 2 submissions from 2 submitters: Uncertain significance (2). Last evaluated 2025-11-12.

Conditions:
Neurodegeneration with brain iron accumulation 5 (NBIA5). Also called: STATIC ENCEPHALOPATHY OF CHILDHOOD WITH NEURODEGENERATION IN ADULTHOOD; Beta-propeller protein-associated neurodegeneration. Identifiers: Orphanet 329284, MedGen C3550973, MONDO:0010476, OMIM 300894.

Allele frequency attached by ClinVar (database versions not stated): ExAC 0.00001; gnomAD 0.00001; gnomAD exomes 0.00001 and 0.00003; TOPMed 0.00001.
gnomAD v4.1: 16 of 1,208,534 alleles (0.0013%); highest among the groups gnomAD compares: Middle Eastern, 0.046%; no homozygotes.

Submissions (2):

Labcorp Genetics (formerly Invitae), Labcorp
Classification: Uncertain significance for Neurodegeneration with brain iron accumulation 5. Last evaluated: 2025-11-12. Review status: criteria provided, single submitter. Criteria: Invitae Variant Classification Sherloc (09022015). Collection method: clinical testing. Allele origin: germline.
Comment: This sequence change replaces arginine, which is basic and polar, with histidine, which is basic and polar, at codon 112 of the WDR45 protein (p.Arg112His). The frequency data for this variant in the population databases is considered unreliable, as metrics indicate poor data quality at this position in the gnomAD database. This variant has not been reported in the literature in individuals affected with WDR45-related conditions. ClinVar contains an entry for this variant (Variation ID: 426282). Invitae Evidence Modeling of protein sequence and biophysical properties (such as structural, functional, and spatial information, amino acid conservation, physicochemical variation, residue mobility, and thermodynamic stability) indicates that this missense variant is not expected to disrupt WDR45 protein function with a negative predictive value of 80%. In summary, the available evidence is currently insufficient to determine the role of this variant in disease. Therefore, it has been classified as a Variant of Uncertain Significance.

GeneDx
Classification: Uncertain significance. Last evaluated: 2017-04-21. Review status: criteria provided, single submitter. Criteria: GeneDx Variant Classification (06012015). Collection method: clinical testing. Allele origin: germline. Affected: yes.
Comment: The R112H variant has not been published as a pathogenic variant, nor has it been reported as a benign variant to our knowledge. The R112H variant is observed in 1/42489 alleles from individuals of European background, in the ExAC dataset (Lek et al., 2016). The R112H variant is a conservative amino acid substitution, which is not likely to impact secondary protein structure as these residues share similar properties. This substitution occurs at a position that is conserved across species, and in silico analysis predicts this variant is probably damaging to the protein structure/function. In summary, based on the currently available information, it is unclear whether this variant is a pathogenic variant or a rare benign variant.